The following is an entry in ClinVar:

NM_001130987.2(DYSF):c.3582T>A (p.Tyr1194Ter)

Gene: DYSF (dysferlin; plus strand). Cytogenetic location: 2p13.2.
Variant type: single nucleotide variant.
Coding change: c.3582T>A on transcript NM_001130987.2 (MANE Select); coding-DNA position 3582, T replaced by A.
Protein change: p.Tyr1194Ter; replaces tyrosine 1194 with a stop codon.
Molecular consequence: nonsense.
Genome position (GRCh38, 1-based): chr2:71,598,571, T>A. VCF-style: chr2-71598571-T-A. GRCh37 (hg19) VCF-style: chr2-71825701-T-A.
Other names: c.3531T>A, p.Tyr1177Ter (NM_001130455.2, NM_001130983.2); c.3486T>A, p.Tyr1162Ter (NM_001130976.2, NM_001130977.2); c.3528T>A, p.Tyr1176Ter (NM_001130978.2, NM_003494.4); c.3621T>A, p.Tyr1207Ter (NM_001130979.2); c.3579T>A, p.Tyr1193Ter (NM_001130980.2, NM_001130981.2); c.3624T>A, p.Tyr1208Ter (NM_001130982.2); c.3489T>A, p.Tyr1163Ter (NM_001130984.2, NM_001130986.2); c.3582T>A, p.Tyr1194Ter (NM_001130985.2); short protein forms Y1162*, Y1163*, Y1176*, Y1177*, Y1193*, Y1194*, Y1207*, Y1208*.
Identifiers: ClinVar variation 5016245 (VCV005016245.1).

ClinVar aggregate classification (germline): Pathogenic (1 of 4 stars; one submission).

Conditions:
Autosomal recessive limb-girdle muscular dystrophy. Identifiers: Orphanet 102015, MedGen C2931907, MONDO:0015152.

Submission:

Myriad Genetics, Inc.
Classification: Pathogenic for Autosomal recessive limb-girdle muscular dystrophy. Last evaluated: 2026-08-18. Review status: criteria provided, single submitter. Criteria: Myriad Autosomal Dominant, Autosomal Recessive and X-Linked Classification Criteria (2023). Collection method: clinical testing. Allele origin: unknown.
Comment: NM_003494.3(DYSF):c.3528T>A(Y1176*) is expected to be pathogenic in the context of dysferlinopathy. This variant is predicted to lead to an abnormal or absent protein product due to the creation of a premature termination codon in DYSF, a gene where loss-of-function variants are known to be pathogenic. Please note: this variant was assessed in the context of healthy population screening.